The following is an entry in ClinVar:

NM_001165963.4(SCN1A):c.2945_2946del (p.Val982fs)

Gene: SCN1A (sodium voltage-gated channel alpha subunit 1; minus strand). Cytogenetic location: 2q24.3.
Variant type: Deletion.
Coding change: c.2945_2946del on transcript NM_001165963.4 (MANE Select); coding-DNA positions 2945 to 2946, 2 bases deleted (TG; older notation c.2945_2946delTG).
Protein change: p.Val982fs; shifts the reading frame from valine 982.
Molecular consequence: frameshift variant. On other transcripts: non-coding transcript variant (1).
Genome position (GRCh38, 1-based): chr2:166,037,776-166,037,777, CA deleted on the plus strand (TG on the coding strand, the reverse complement: SCN1A is on the minus strand); deleting any 2 consecutive bases within chr2:166,037,776-166,037,778 gives the same sequence; the c. name uses the placement nearest the transcript's 3' end. VCF-style (leftmost placement, unchanged base first): chr2-166037775-CCA-C. GRCh37 (hg19) VCF-style: chr2-166894285-CCA-C.
Other names: c.2861_2862del, p.Val954fs (NM_001165964.3, NM_001353957.2, NM_001353958.2); c.2945_2946del, p.Val982fs (NM_001202435.3, NM_001353948.2); c.2912_2913del, p.Val971fs (NM_001353949.2, NM_001353950.2, NM_001353951.2 and 2 more transcripts); c.2909_2910del, p.Val970fs (NM_001353954.2, NM_001353955.2); c.2858_2859del, p.Val953fs (NM_001353960.2); c.503_504del, p.Val168fs (NM_001353961.2); short protein forms V168fs, V953fs, V954fs, V970fs, V971fs, V982fs.
Identifiers: ClinVar variation 4855742 (VCV004855742.2).

ClinVar aggregate classification (germline): Likely pathogenic. Review status: criteria provided, multiple submitters, no conflicts (2 of 4 stars). 2 submissions from 2 submitters: Likely pathogenic (2). Last evaluated 2025-09-04.

Conditions:
SCN1A-related disorder. Also called: SCN1A-related conditions; SCN1A-related condition; SCN1A-related disorders.

Submissions (2):

3billion
Classification: Likely pathogenic for SCN1A-related disorder. Last evaluated: 2025-09-04. Review status: criteria provided, single submitter. Criteria: ACMG Guidelines, 2015. Collection method: clinical testing. Allele origin: germline. Affected: yes.
Comment: The variant is not observed in the gnomAD v4.1.0 dataset. Predicted Consequence/Location: Frameshift: predicted to result in a loss or disruption of normal protein function through nonsense-mediated decay (NMD) or protein truncation. Multiple pathogenic variants are reported downstream of the variant. Therefore, this variant is classified as Likely pathogenic according to the recommendation of ACMG/AMP guideline.

Blueprint Genetics
Classification: Likely pathogenic for SCN1A-related disorders. Last evaluated: 2022-10-07. Review status: criteria provided, single submitter. Criteria: ACMG Guidelines, 2015. Collection method: clinical testing. Allele origin: germline. Affected: yes. Observed: 1 variant allele.